The following is an entry in ClinVar:

ClinVar aggregate classification (germline): Uncertain significance. Review status: criteria provided, multiple submitters, no conflicts (2 of 4 stars). 3 submissions from 3 submitters: Uncertain significance (3). Last evaluated 2023-08-09.

Conditions:
Hereditary cancer-predisposing syndrome. Also called: Neoplastic Syndromes, Hereditary; Hereditary Cancer Syndrome; Hereditary neoplastic syndrome; Tumor predisposition. Identifiers: Orphanet 140162, MedGen C0027672, MeSH D009386, MONDO:0015356.
Polymerase proofreading-related adenomatous polyposis. Also called: Polymerase proofreading associated polyposis; Polymerase proofreading–associated polyposis (PPAP). Identifiers: Orphanet 447877, MedGen C5202613, MONDO:0018653.
Familial colorectal cancer type X. Identifiers: Orphanet 440437, MedGen C3896578, MONDO:0018604.

Allele frequency attached by ClinVar (database versions not stated): gnomAD exomes below 0.00001.

Submissions (3):

Labcorp Genetics (formerly Invitae), Labcorp
Classification: Uncertain significance. Last evaluated: 2023-08-09. Review status: criteria provided, single submitter. Criteria: Invitae Variant Classification Sherloc (09022015). Collection method: clinical testing. Allele origin: germline.
Comment: ClinVar contains an entry for this variant (Variation ID: 540666). In summary, the available evidence is currently insufficient to determine the role of this variant in disease. Therefore, it has been classified as a Variant of Uncertain Significance. Advanced modeling of protein sequence and biophysical properties (such as structural, functional, and spatial information, amino acid conservation, physicochemical variation, residue mobility, and thermodynamic stability) performed at Invitae indicates that this missense variant is expected to disrupt POLE protein function. This variant has not been reported in the literature in individuals affected with POLE-related conditions. This variant is present in population databases (no rsID available, gnomAD 0.0009%). This sequence change replaces leucine, which is neutral and non-polar, with phenylalanine, which is neutral and non-polar, at codon 547 of the POLE protein (p.Leu547Phe).

Department of Pathology and Laboratory Medicine, Sinai Health System
Classification: Uncertain significance for Polymerase proofreading-related adenomatous polyposis; Familial colorectal cancer type X. Last evaluated: 2023-04-06. Review status: criteria provided, single submitter. Criteria: ACMG Guidelines, 2015. Collection method: clinical testing. Allele origin: germline. Affected: yes.

Ambry Genetics
Classification: Uncertain significance for Hereditary cancer-predisposing syndrome. Last evaluated: 2021-08-21. Review status: criteria provided, single submitter. Criteria: Ambry Variant Classification Scheme 2023. Collection method: clinical testing. Allele origin: germline.
Comment: The p.L547F variant (also known as c.1639C>T), located in coding exon 15 of the POLE gene, results from a C to T substitution at nucleotide position 1639. The leucine at codon 547 is replaced by phenylalanine, an amino acid with highly similar properties. This amino acid position is conserved. In addition, the in silico prediction for this alteration is inconclusive. Since supporting evidence is limited at this time, the clinical significance of this alteration remains unclear.

NM_006231.4(POLE):c.1639C>T (p.Leu547Phe)

Gene: POLE (DNA polymerase epsilon, catalytic subunit; minus strand). Cytogenetic location: 12q24.33.
Variant type: single nucleotide variant.
Coding change: c.1639C>T on transcript NM_006231.4 (MANE Select); coding-DNA position 1639, C replaced by T.
Protein change: p.Leu547Phe; replaces leucine 547 with phenylalanine.
Molecular consequence: missense variant.
Genome position (GRCh38, 1-based): chr12:132,672,674, G>A on the plus strand (C>T on the coding strand, the complement: POLE is on the minus strand). VCF-style: chr12-132672674-G-A. GRCh37 (hg19) VCF-style: chr12-133249260-G-A.
Other names: short protein forms L547F.
Identifiers: ClinVar variation 540666 (VCV000540666.12), dbSNP rs1327695331, ClinGen allele CA387356634.
Genomic context (GRCh38, chr12:132,672,674, plus strand): 5'-GGAAGAAGCACACCATCCTAAACCGGCAAGGGATATCGCTGCGGAAAACCCCAGACTCGA[G>A]GGCCTCCACGTGGCCCCCGACGTAGGTCTCAGAGTCCAGCACGTGTCCGTCGTCCGTCAG-3'
Protein context (NP_006222.2, residues 537-557): ETYVGGHVEA[Leu547Phe]ESGVFRSDIP